The following is an entry in ClinVar:

NM_006506.5(RASA2):c.-15G>T

Genes: RASA2 (RAS p21 protein activator 2; plus strand), LOC129937686 (ATAC-STARR-seq lymphoblastoid silent region 14777; plus strand). Cytogenetic location: 3q23.
Variant type: single nucleotide variant.
Coding change: c.-15G>T on transcript NM_006506.5 (MANE Select); 15 bases upstream of the start codon, G replaced by T.
Molecular consequence: 5 prime UTR variant.
Genome position (GRCh38, 1-based): chr3:141,487,069, G>T. VCF-style: chr3-141487069-G-T. GRCh37 (hg19) VCF-style: chr3-141205911-G-T.
Other names: c.-15G>T (NM_001303246.3, NM_001303245.3).
Identifiers: ClinVar variation 917600 (VCV000917600.1), dbSNP rs767937276, ClinGen allele CA2645063.

ClinVar aggregate classification (germline): Uncertain significance (1 of 4 stars; one submission).

Allele frequency attached by ClinVar (database versions not stated): TOPMed 0.00049.
gnomAD v4.1: 101 of 1,261,914 alleles (0.008%); highest among the groups gnomAD compares: African/African-American, 0.13%; no homozygotes.

Submission:

Women's Health and Genetics/Laboratory Corporation of America, LabCorp
Classification: Uncertain significance. Last evaluated: 2020-01-06. Review status: criteria provided, single submitter. Criteria: LabCorp Variant Classification Summary - May 2015. Collection method: clinical testing. Allele origin: germline.
Comment: Variant summary: RASA2 c.-15G>T is located in the untranslated mRNA region upstream of the initiation codon. 5/5 computational tools predict no significant impact on normal splicing. However, these predictions have yet to be confirmed by functional studies. The variant allele was found at a frequency of 0.00018 in 43946 control chromosomes (gnomAD, genomes dataset). The available data on variant occurrences in the general population are insufficient to allow any conclusion about variant significance. To our knowledge, no occurrence of c.-15G>T in individuals affected with Noonan Syndrome and Related Conditions and no experimental evidence demonstrating its impact on protein function have been reported. No clinical diagnostic laboratories have submitted clinical-significance assessments for this variant to ClinVar after 2014. Based on the evidence outlined above, the variant was classified as uncertain significance.